The following is an entry in ClinVar:

ClinVar aggregate classification (germline): Likely pathogenic (1 of 4 stars; one submission).

Conditions:
Severe intellectual disability-poor language-strabismus-grimacing face-long fingers syndrome (GAND). Also called: GAND SYNDROME. Identifiers: Orphanet 363686, MedGen C3554448, MONDO:0014034, OMIM 615074.

Submission:

Breakthrough Genomics
Classification: Likely pathogenic for Severe intellectual disability-poor language-strabismus-grimacing face-long fingers syndrome. Last evaluated: 2023-07-12. Review status: criteria provided, single submitter. Criteria: ACMG Guidelines, 2015. Collection method: clinical testing. Allele origin: germline. Affected: yes.
Comment: This variant is predicted to cause a frameshift and consequent premature termination of the protein and the resultant protein will likely to lack the CR2 histone tail-binding region and zinc finger of the protein; this will in turn result in loss-of-function. Due to the introduction of a premature stop codon, this aberrant transcript will likely be targeted by the nonsense-mediated mRNA decay (NMD) mechanism [PMID: 15040442]. The variant seems to be novel, as it has not been previously reported in population databases or in the literature. Other loss-of-function variants have been reported in patients with GAND syndrome [PMID: 28077840, 31949314].

NM_020699.4(GATAD2B):c.1077_1089del (p.Gln359fs)

Gene: GATAD2B (GATA zinc finger domain containing 2B; minus strand). Cytogenetic location: 1q21.3.
Variant type: Deletion.
Coding change: c.1077_1089del on transcript NM_020699.4 (MANE Select); coding-DNA positions 1077 to 1089, 13 bases deleted (GCTGGAAAAGACA).
Protein change: p.Gln359fs; shifts the reading frame from glutamine 359.
Molecular consequence: frameshift variant.
Genome position (GRCh38, 1-based): chr1:153,816,400-153,816,412, TGTCTTTTCCAGC deleted on the plus strand (GCTGGAAAAGACA on the coding strand, the reverse complement: GATAD2B is on the minus strand); deleting any 13 consecutive bases within chr1:153,816,400-153,816,415 gives the same sequence; the c. name uses the placement nearest the transcript's 3' end. VCF-style (leftmost placement, unchanged base first): chr1-153816399-GTGTCTTTTCCAGC-G. GRCh37 (hg19) VCF-style: chr1-153788875-GTGTCTTTTCCAGC-G.
Other names: p.Gln359HisfsTer30; c.1077_1089delGCTGGAAAAGACA (NM_020699.4); short protein forms Q359fs.
Identifiers: ClinVar variation 3255602 (VCV003255602.2).